The following is an entry in ClinVar:

NM_001099293.3(KIF4B):c.658A>G (p.Ile220Val)

Gene: KIF4B (kinesin family member 4B; plus strand). Cytogenetic location: 5q33.2.
Variant type: single nucleotide variant.
Coding change: c.658A>G on transcript NM_001099293.3 (MANE Select); coding-DNA position 658, A replaced by G.
Protein change: p.Ile220Val; replaces isoleucine 220 with valine.
Molecular consequence: missense variant.
Genome position (GRCh38, 1-based): chr5:155,014,517, A>G. VCF-style: chr5-155014517-A-G. GRCh37 (hg19) VCF-style: chr5-154394077-A-G.
Other names: short protein forms I220V.
Identifiers: ClinVar variation 3053473 (VCV003053473.2), dbSNP rs117318692, ClinGen allele CA3529880.

ClinVar aggregate classification (germline): Benign (0 of 4 stars; one submission).

Conditions:
KIF4B-related disorder. Also called: KIF4B-related condition.

Allele frequency attached by ClinVar (database versions not stated): gnomAD exomes 0.00056; gnomAD 0.00104; TOPMed 0.00108; ExAC 0.00203; 1000 Genomes Project 30x 0.00625; 1000 Genomes Project 0.00679.
gnomAD v4.1: 1,065 of 1,614,108 alleles (0.066%); highest among the groups gnomAD compares: East Asian, 1.6%; 15 homozygotes.

Submission:

PreventionGenetics, part of Exact Sciences
Classification: Benign for KIF4B-related condition. Last evaluated: 2019-10-28. Review status: no assertion criteria provided. Collection method: clinical testing. Allele origin: germline.
Comment: This variant is classified as benign based on ACMG/AMP sequence variant interpretation guidelines (Richards et al. 2015 PMID: 25741868, with internal and published modifications).